The following is an entry in ClinVar:

NM_020822.3(KCNT1):c.3177_3177+22dup

Gene: KCNT1 (potassium sodium-activated channel subfamily T member 1; plus strand). Cytogenetic location: 9q34.3.
Variant type: Duplication.
Coding change: c.3177_3177+22dup on transcript NM_020822.3 (MANE Select); coding-DNA position 3177 through 22 bases into the intron after coding-DNA position 3177, 23 bases duplicated (GGTAAGCAACCCCTCCGTGCCCA).
Molecular consequence: splice donor variant.
Genome position (GRCh38, 1-based): chr9:135,785,330-135,785,352, GGTAAGCAACCCCTCCGTGCCCA duplicated; duplicating any 23 consecutive bases within chr9:135,785,325-135,785,352 gives the same sequence; the c. name uses the placement nearest the transcript's 3' end. VCF-style (leftmost placement, unchanged base first): chr9-135785324-A-AGCCCAGGTAAGCAACCCCTCCGT. GRCh37 (hg19) VCF-style: chr9-138677170-A-AGCCCAGGTAAGCAACCCCTCCGT.
Other names: c.3042_3042+22dup (NM_001272003.2).
Identifiers: ClinVar variation 841877 (VCV000841877.8), dbSNP rs1833953810, ClinGen allele CA916083084.

ClinVar aggregate classification (germline): Uncertain significance (1 of 4 stars; one submission).

Conditions:
Autosomal dominant nocturnal frontal lobe epilepsy 5. Also called: CILIARY DYSKINESIA, PRIMARY, 28, WITHOUT SITUS INVERSUS; KCNT1-Related Epilepsy; CILIARY DYSKINESIA, PRIMARY, 28, WITH SITUS INVERSUS; Epilepsy, nocturnal frontal lobe, 5. Identifiers: Orphanet 98784, MedGen C3554306, MONDO:0014002, OMIM 615005.
Developmental and epileptic encephalopathy, 14 (DEE14). Also called: Early infantile epileptic encephalopathy 14. Identifiers: Orphanet 293181, MedGen C3554195, MONDO:0013989, OMIM 614959.

Submission:

Labcorp Genetics (formerly Invitae), Labcorp
Classification: Uncertain significance for Autosomal dominant nocturnal frontal lobe epilepsy 5; Developmental and epileptic encephalopathy, 14. Last evaluated: 2023-12-08. Review status: criteria provided, single submitter. Criteria: Invitae Variant Classification Sherloc (09022015). Collection method: clinical testing. Allele origin: germline.
Comment: This sequence change falls in intron 28 of the KCNT1 gene. It does not directly change the encoded amino acid sequence of the KCNT1 protein. It affects a nucleotide within the consensus splice site. This variant is not present in population databases (gnomAD no frequency). This variant has not been reported in the literature in individuals affected with KCNT1-related conditions. ClinVar contains an entry for this variant (Variation ID: 841877). Variants that disrupt the consensus splice site are a relatively common cause of aberrant splicing (PMID: 17576681, 9536098). In summary, the available evidence is currently insufficient to determine the role of this variant in disease. Therefore, it has been classified as a Variant of Uncertain Significance.

Literature cited by the submitters: PubMed 17576681; PubMed 9536098.